The following is an entry in ClinVar:

NM_080632.3(UPF3B):c.264-6C>T

Gene: UPF3B (UPF3B regulator of nonsense mediated mRNA decay; minus strand). Cytogenetic location: Xq24.
Variant type: single nucleotide variant.
Coding change: c.264-6C>T on transcript NM_080632.3 (MANE Select); 6 bases into the intron before coding-DNA position 264, C replaced by T.
Molecular consequence: intron variant.
Genome position (GRCh38, 1-based): chrX:119,851,607, G>A on the plus strand (C>T on the coding strand, the complement: UPF3B is on the minus strand). VCF-style: chrX-119851607-G-A. GRCh37 (hg19) VCF-style: chrX-118985570-G-A.
Other names: c.264-6C>T (NM_023010.4).
Identifiers: ClinVar variation 2231792 (VCV002231792.5), dbSNP rs746233157, ClinGen allele CA10503345.
Genomic context (GRCh38, chrX:119,851,607, plus strand): 5'-GTCCTCTTGGTTTTTAAAGTTGATGTATGCTCTGGCATACATATGAGGATACAAACTGCA[G>A]AGAGGAAAGCAATTATGTAAATGTACTCGCAGGTGTCTGGCCCAATTACAAGTATGCATA-3'

ClinVar aggregate classification (germline): Conflicting classifications of pathogenicity. Review status: criteria provided, conflicting classifications (1 of 4 stars). 2 submissions from 2 submitters: Uncertain significance (1); Likely benign (1). Last evaluated 2023-04-24.

Conditions:
Intellectual developmental disorder, X-linked, syndromic 14. Also called: Syndromic X-linked intellectual disability 14. Identifiers: Orphanet 776, MedGen C1970822, MONDO:0010398, OMIM 300676.
Inborn genetic diseases. Identifiers: MedGen C0950123, MeSH D030342.

Allele frequency attached by ClinVar (database versions not stated): TOPMed below 0.00001; ExAC 0.00001; gnomAD exomes 0.00001.

Submissions (2):

Labcorp Genetics (formerly Invitae), Labcorp
Classification: Likely benign for Intellectual developmental disorder, X-linked, syndromic 14. Last evaluated: 2023-04-24. Review status: criteria provided, single submitter. Criteria: Invitae Variant Classification Sherloc (09022015). Collection method: clinical testing. Allele origin: germline.

Ambry Genetics
Classification: Uncertain significance for Inborn genetic diseases. Last evaluated: 2021-07-13. Review status: criteria provided, single submitter. Criteria: Ambry Variant Classification Scheme 2023. Collection method: clinical testing. Allele origin: germline.
Comment: The c.264-6C>T intronic alteration consists of a C to T substitution 6 nucleotides before exon 3 of the UPF3B gene. Based on insufficient or conflicting evidence, the clinical significance of this alteration remains unclear.